The following is an entry in ClinVar:

NM_000297.4(PKD2):c.1984A>C (p.Thr662Pro)

Gene: PKD2 (polycystin 2, transient receptor potential cation channel; plus strand). Cytogenetic location: 4q22.1.
Variant type: single nucleotide variant.
Coding change: c.1984A>C on transcript NM_000297.4 (MANE Select); coding-DNA position 1984, A replaced by C.
Protein change: p.Thr662Pro; replaces threonine 662 with proline.
Molecular consequence: missense variant.
Genome position (GRCh38, 1-based): chr4:88,058,068, A>C. VCF-style: chr4-88058068-A-C. GRCh37 (hg19) VCF-style: chr4-88979220-A-C.
Other names: p.Thr662Pro; short protein forms T662P.
Identifiers: ClinVar variation 3591408 (VCV003591408.2).

ClinVar aggregate classification (germline): Conflicting classifications of pathogenicity. Review status: criteria provided, conflicting classifications (1 of 4 stars). 2 submissions from 2 submitters: Likely pathogenic (1); Uncertain significance (1). Last evaluated 2025-08-13.

Conditions:
Polycystic kidney disease 2 (PKD2). Also called: POLYCYSTIC KIDNEY DISEASE, ADULT, TYPE II; Polycystic Kidney Disease 2, Autosomal Dominant; POLYCYSTIC KIDNEY DISEASE 2 WITH OR WITHOUT POLYCYSTIC LIVER DISEASE. Identifiers: MedGen C2751306, MONDO:0013131, OMIM 613095.

Submissions (2):

Mayo Clinic Laboratories, Mayo Clinic
Classification: Uncertain significance. Last evaluated: 2025-08-13. Review status: criteria provided, single submitter. Criteria: ACMG Guidelines, 2015. Collection method: clinical testing. Allele origin: germline. Observed: 1 variant allele.
Comment: PP3_moderate, PM2_supporting, PS4_supporting

Fulgent Genetics
Classification: Likely pathogenic for Polycystic kidney disease 2. Last evaluated: 2024-03-05. Review status: criteria provided, single submitter. Criteria: ACMG Guidelines, 2015. Collection method: clinical testing. Allele origin: germline.

Literature cited by the submitters: PubMed 27499327 (cited by Mayo Clinic Laboratories, Mayo Clinic); PubMed 29529603 (cited by Mayo Clinic Laboratories, Mayo Clinic); PubMed 34101167 (cited by Mayo Clinic Laboratories, Mayo Clinic).